The following is an entry in ClinVar:

ClinVar aggregate classification (germline): Uncertain significance (1 of 4 stars; one submission).

Submission:

Labcorp Genetics (formerly Invitae), Labcorp
Classification: Uncertain significance. Last evaluated: 2022-06-13. Review status: criteria provided, single submitter. Criteria: Invitae Variant Classification Sherloc (09022015). Collection method: clinical testing. Allele origin: germline.
Comment: This variant is present in population databases (rs750501947, gnomAD 0.002%). This variant, c.813_821del, results in the deletion of 3 amino acid(s) of the NUP62 protein (p.Ser272_Ala274del), but otherwise preserves the integrity of the reading frame. This variant has not been reported in the literature in individuals affected with NUP62-related conditions. Experimental studies and prediction algorithms are not available or were not evaluated, and the functional significance of this variant is currently unknown. In summary, the available evidence is currently insufficient to determine the role of this variant in disease. Therefore, it has been classified as a Variant of Uncertain Significance.

NM_016553.5(NUP62):c.813_821del (p.Ser272_Ala274del)

Genes: IL4I1 (interleukin 4 induced 1; minus strand), NUP62 (nucleoporin 62; minus strand). Cytogenetic location: 19q13.33.
Variant type: Deletion.
Coding change: c.813_821del on transcript NM_016553.5 (MANE Select); coding-DNA positions 813 to 821, 9 bases deleted (ATCCACCGC; older notation c.813_821delATCCACCGC).
Protein change: p.Ser272_Ala274del.
Molecular consequence: inframe deletion. On other transcripts: intron variant (3).
Genome position (GRCh38, 1-based): chr19:49,908,987-49,908,995, GCGGTGGAT deleted on the plus strand (ATCCACCGC on the coding strand, the reverse complement: NUP62 is on the minus strand); deleting any 9 consecutive bases within chr19:49,908,987-49,908,996 gives the same sequence; the c. name uses the placement nearest the transcript's 3' end. VCF-style (leftmost placement, unchanged base first): chr19-49908986-AGCGGTGGAT-A. GRCh37 (hg19) VCF-style: chr19-50412243-AGCGGTGGAT-A.
Other names: c.813_821del, p.Ser272_Ala274del (NM_001193357.2, NM_012346.5, NM_153718.4 and 1 more transcripts); c.-227-4674_-227-4666del (NM_001258017.2, NM_172374.3); c.-285-4674_-285-4666del (NM_001258018.2).
Identifiers: ClinVar variation 1947335 (VCV001947335.4), dbSNP rs750501947, ClinGen allele CA9589036.